The following is an entry in ClinVar:

ClinVar aggregate classification (germline): Uncertain significance (1 of 4 stars; one submission).

Submission:

GeneDx
Classification: Uncertain significance. Last evaluated: 2022-09-13. Review status: criteria provided, single submitter. Criteria: GeneDx Variant Classification Process June 2021. Collection method: clinical testing. Allele origin: germline. Affected: yes.
Comment: Not observed at significant frequency in large population cohorts (gnomAD); In silico analysis supports that this variant does not alter splicing; Has not been previously published as pathogenic or benign to our knowledge

NM_022124.6(CDH23):c.8136G>T (p.Leu2712=)

Gene: CDH23 (cadherin related 23; plus strand). Cytogenetic location: 10q22.1.
Variant type: single nucleotide variant.
Coding change: c.8136G>T on transcript NM_022124.6 (MANE Select); coding-DNA position 8136, G replaced by T.
Protein change: p.Leu2712=; no amino-acid change (leucine 2712 retained).
Molecular consequence: synonymous variant.
Genome position (GRCh38, 1-based): chr10:71,806,239, G>T. VCF-style: chr10-71806239-G-T. GRCh37 (hg19) VCF-style: chr10-73565996-G-T.
Other names: c.1416G>T, p.Leu472= (NM_001171933.1, NM_001171934.1).
Identifiers: ClinVar variation 2443671 (VCV002443671.1), dbSNP rs2494429352, ClinGen allele CA470063402.